The following is an entry in ClinVar:

ClinVar aggregate classification (germline): Uncertain significance. Review status: criteria provided, multiple submitters, no conflicts (2 of 4 stars). 2 submissions from 2 submitters: Uncertain significance (2). Last evaluated 2023-12-13.

Allele frequency attached by ClinVar (database versions not stated): ExAC 0.00001; gnomAD exomes 0.00001; gnomAD 0.00003; TOPMed 0.00003.
gnomAD v4.1: 14 of 1,612,346 alleles (0.00087%); highest among the groups gnomAD compares: African/African-American, 0.0053%; no homozygotes.

Submissions (2):

Ambry Genetics
Classification: Uncertain significance. Last evaluated: 2023-12-13. Review status: criteria provided, single submitter. Criteria: Ambry Variant Classification Scheme 2023. Collection method: clinical testing. Allele origin: germline.

Greenwood Genetic Center Diagnostic Laboratories, Greenwood Genetic Center
Classification: Uncertain significance. Last evaluated: 2023-12-06. Review status: criteria provided, single submitter. Criteria: ACMG Guidelines, 2015. Collection method: clinical testing. Allele origin: germline. Affected: yes.
Comment: PM2

NM_001367498.1(CNTNAP5):c.3545G>A (p.Arg1182His)

Gene: CNTNAP5 (contactin associated protein family member 5; plus strand). Cytogenetic location: 2q14.3.
Variant type: single nucleotide variant.
Coding change: c.3545G>A on transcript NM_001367498.1 (MANE Select); coding-DNA position 3545, G replaced by A.
Protein change: p.Arg1182His; replaces arginine 1182 with histidine.
Molecular consequence: missense variant.
Genome position (GRCh38, 1-based): chr2:124,902,990, G>A. VCF-style: chr2-124902990-G-A. GRCh37 (hg19) VCF-style: chr2-125660567-G-A.
Other names: c.3542G>A, p.Arg1181His (NM_130773.4); c.3542G>A (NM_130773.2); short protein forms R1182H, R1181H.
Identifiers: ClinVar variation 2692493 (VCV002692493.2), dbSNP rs759819813, ClinGen allele CA1856466.